The following is an entry in ClinVar:

ClinVar aggregate classification (germline): Uncertain significance (1 of 4 stars; one submission).

Allele frequency attached by ClinVar (database versions not stated): gnomAD 0.00001; ExAC 0.00002; TOPMed 0.00002; gnomAD exomes 0.00003 and 0.00009.

Submission:

Labcorp Genetics (formerly Invitae), Labcorp
Classification: Uncertain significance. Last evaluated: 2022-11-02. Review status: criteria provided, single submitter. Criteria: Invitae Variant Classification Sherloc (09022015). Collection method: clinical testing. Allele origin: germline.
Comment: This sequence change replaces proline, which is neutral and non-polar, with leucine, which is neutral and non-polar, at codon 552 of the COL9A1 protein (p.Pro552Leu). This variant is present in population databases (rs753916112, gnomAD 0.007%). This variant has not been reported in the literature in individuals affected with COL9A1-related conditions. ClinVar contains an entry for this variant (Variation ID: 956679). Advanced modeling of protein sequence and biophysical properties (such as structural, functional, and spatial information, amino acid conservation, physicochemical variation, residue mobility, and thermodynamic stability) performed at Invitae indicates that this missense variant is not expected to disrupt COL9A1 protein function. In summary, the available evidence is currently insufficient to determine the role of this variant in disease. Therefore, it has been classified as a Variant of Uncertain Significance.

NM_001851.6(COL9A1):c.1655C>T (p.Pro552Leu)

Gene: COL9A1 (collagen type IX alpha 1 chain; minus strand). Cytogenetic location: 6q13.
Variant type: single nucleotide variant.
Coding change: c.1655C>T on transcript NM_001851.6 (MANE Select); coding-DNA position 1655, C replaced by T.
Protein change: p.Pro552Leu; replaces proline 552 with leucine.
Molecular consequence: missense variant. On other transcripts: non-coding transcript variant (1).
Genome position (GRCh38, 1-based): chr6:70,254,973, G>A on the plus strand (C>T on the coding strand, the complement: COL9A1 is on the minus strand). VCF-style: chr6-70254973-G-A. GRCh37 (hg19) VCF-style: chr6-70964676-G-A.
Other names: c.926C>T, p.Pro309Leu (NM_001377289.1, NM_001377290.1, NM_078485.4); short protein forms P552L, P309L.
Identifiers: ClinVar variation 956679 (VCV000956679.7), dbSNP rs753916112, ClinGen allele CA3882094.